The following is an entry in ClinVar:

ClinVar aggregate classification (germline): Uncertain significance (1 of 4 stars; one submission).

gnomAD v4.1: 40 of 1,613,808 alleles (0.0025%); highest among the groups gnomAD compares: Middle Eastern, 0.049%; no homozygotes.

Submission:

CeGaT Center for Human Genetics Tuebingen
Classification: Uncertain significance. Last evaluated: 2025-09-01. Review status: criteria provided, single submitter. Criteria: CeGaT Center For Human Genetics Tuebingen Variant Classification Criteria Version 2. Collection method: clinical testing. Allele origin: germline. Affected: yes. Observed: 1 variant allele.
Comment: TEX14: PM2, BP4

NM_031272.5(TEX14):c.598A>T (p.Ile200Phe)

Gene: TEX14 (testis expressed 14, intercellular bridge forming factor; minus strand). Cytogenetic location: 17q22.
Variant type: single nucleotide variant.
Coding change: c.598A>T on transcript NM_031272.5 (MANE Select); coding-DNA position 598, A replaced by T.
Protein change: p.Ile200Phe; replaces isoleucine 200 with phenylalanine.
Molecular consequence: missense variant.
Genome position (GRCh38, 1-based): chr17:58,617,576, T>A on the plus strand (A>T on the coding strand, the complement: TEX14 is on the minus strand). VCF-style: chr17-58617576-T-A. GRCh37 (hg19) VCF-style: chr17-56694937-T-A.
Other names: c.598A>T, p.Ile200Phe (NM_001201457.2, NM_198393.4); short protein forms I200F.
Identifiers: ClinVar variation 4281002 (VCV004281002.7).